The following is an entry in ClinVar:

NM_002206.3(ITGA7):c.1535T>C (p.Ile512Thr)

Gene: ITGA7 (integrin subunit alpha 7; minus strand). Cytogenetic location: 12q13.2.
Variant type: single nucleotide variant.
Coding change: c.1535T>C on transcript NM_002206.3 (MANE Select); coding-DNA position 1535, T replaced by C.
Protein change: p.Ile512Thr; replaces isoleucine 512 with threonine.
Molecular consequence: missense variant.
Genome position (GRCh38, 1-based): chr12:55,697,248, A>G on the plus strand (T>C on the coding strand, the complement: ITGA7 is on the minus strand). VCF-style: chr12-55697248-A-G. GRCh37 (hg19) VCF-style: chr12-56091032-A-G.
Other names: c.1547T>C, p.Ile516Thr (NM_001144996.2, NM_001414029.1); c.1256T>C, p.Ile419Thr (NM_001144997.2); c.1208T>C, p.Ile403Thr (NM_001367993.1); c.191T>C, p.Ile64Thr (NM_001367994.1); c.1535T>C, p.Ile512Thr (NM_001374465.1, NM_001414034.1); c.1667T>C, p.Ile556Thr (NM_001410977.1); c.1460T>C, p.Ile487Thr (NM_001414030.1); c.1448T>C, p.Ile483Thr (NM_001414031.1); and 3 more; short protein forms I419T, I451T, I399T, I403T, I472T, I487T, I512T, I516T.
Identifiers: ClinVar variation 2167726 (VCV002167726.4), dbSNP rs143053231, ClinGen allele CA6615921.

ClinVar aggregate classification (germline): Uncertain significance (1 of 4 stars; one submission).

Conditions:
Congenital muscular dystrophy due to integrin alpha-7 deficiency. Also called: Congenital muscular dystrophy with integrin alpha-7 deficiency; Muscular dystrophy, congenital, due to ITGA7 deficiency; MYOPATHY, CONGENITAL, DUE TO INTEGRIN ALPHA-7 DEFICIENCY. Identifiers: Orphanet 34520, MedGen C2750786, MONDO:0013177, OMIM 613204.

Allele frequency attached by ClinVar (database versions not stated): gnomAD 0.00001; ExAC 0.00002; 1000 Genomes Project 30x 0.00016; 1000 Genomes Project 0.00020.

Submission:

Labcorp Genetics (formerly Invitae), Labcorp
Classification: Uncertain significance for Congenital muscular dystrophy due to integrin alpha-7 deficiency. Last evaluated: 2022-03-01. Review status: criteria provided, single submitter. Criteria: Invitae Variant Classification Sherloc (09022015). Collection method: clinical testing. Allele origin: germline.
Comment: The frequency data for this variant in the population databases is considered unreliable, as metrics indicate poor data quality at this position in the gnomAD database. In summary, the available evidence is currently insufficient to determine the role of this variant in disease. Therefore, it has been classified as a Variant of Uncertain Significance. Algorithms developed to predict the effect of missense changes on protein structure and function output the following: SIFT: "Tolerated"; PolyPhen-2: "Benign"; Align-GVGD: "Class C0". The threonine amino acid residue is found in multiple mammalian species, which suggests that this missense change does not adversely affect protein function. This variant has not been reported in the literature in individuals affected with ITGA7-related conditions. This sequence change replaces isoleucine, which is neutral and non-polar, with threonine, which is neutral and polar, at codon 512 of the ITGA7 protein (p.Ile512Thr).